The following is an entry in ClinVar:

NM_001080442.3(SLC38A8):c.370G>A (p.Gly124Arg)

Gene: SLC38A8 (solute carrier family 38 member 8; minus strand). Cytogenetic location: 16q23.3.
Variant type: single nucleotide variant.
Coding change: c.370G>A on transcript NM_001080442.3 (MANE Select); coding-DNA position 370, G replaced by A.
Protein change: p.Gly124Arg; replaces glycine 124 with arginine.
Molecular consequence: missense variant.
Genome position (GRCh38, 1-based): chr16:84,036,720, C>T on the plus strand (G>A on the coding strand, the complement: SLC38A8 is on the minus strand). VCF-style: chr16-84036720-C-T. GRCh37 (hg19) VCF-style: chr16-84070325-C-T.
Other names: c.370G>A (NM_001080442.1); short protein forms G124R.
Identifiers: ClinVar variation 2188745 (VCV002188745.3), dbSNP rs567126427, ClinGen allele CA8200362.

ClinVar aggregate classification (germline): Uncertain significance. Review status: criteria provided, multiple submitters, no conflicts (2 of 4 stars). 3 submissions from 3 submitters: Uncertain significance (3). Last evaluated 2025-03-31.

Conditions:
Inborn genetic diseases. Identifiers: MedGen C0950123, MeSH D030342.

Allele frequency attached by ClinVar (database versions not stated): ExAC 0.00007; TOPMed 0.00009; gnomAD 0.00016; 1000 Genomes Project 30x 0.00031; 1000 Genomes Project 0.00040.

Submissions (3):

Ambry Genetics
Classification: Uncertain significance for Inborn genetic diseases. Last evaluated: 2025-03-31. Review status: criteria provided, single submitter. Criteria: Ambry Variant Classification Scheme 2023. Collection method: clinical testing. Allele origin: germline.

Blueprint Genetics
Classification: Uncertain significance. Last evaluated: 2023-09-29. Review status: criteria provided, single submitter. Criteria: ACMG Guidelines, 2015. Collection method: clinical testing. Allele origin: germline.

Labcorp Genetics (formerly Invitae), Labcorp
Classification: Uncertain significance. Last evaluated: 2022-02-04. Review status: criteria provided, single submitter. Criteria: Invitae Variant Classification Sherloc (09022015). Collection method: clinical testing. Allele origin: germline.
Comment: This sequence change replaces glycine, which is neutral and non-polar, with arginine, which is basic and polar, at codon 124 of the SLC38A8 protein (p.Gly124Arg). This variant is present in population databases (rs567126427, gnomAD 0.03%). This variant has not been reported in the literature in individuals affected with SLC38A8-related conditions. Algorithms developed to predict the effect of missense changes on protein structure and function are either unavailable or do not agree on the potential impact of this missense change (SIFT: "Tolerated"; PolyPhen-2: "Probably Damaging"; Align-GVGD: "Class C0"). In summary, the available evidence is currently insufficient to determine the role of this variant in disease. Therefore, it has been classified as a Variant of Uncertain Significance.